The following is an entry in ClinVar:

ClinVar aggregate classification (germline): Uncertain significance (1 of 4 stars; one submission).

Submission:

Labcorp Genetics (formerly Invitae), Labcorp
Classification: Uncertain significance. Last evaluated: 2025-01-02. Review status: criteria provided, single submitter. Criteria: Invitae Variant Classification Sherloc (09022015). Collection method: clinical testing. Allele origin: germline.
Comment: This sequence change replaces glutamic acid, which is acidic and polar, with aspartic acid, which is acidic and polar, at codon 972 of the A2ML1 protein (p.Glu972Asp). This variant is not present in population databases (gnomAD no frequency). This variant has not been reported in the literature in individuals affected with A2ML1-related conditions. An algorithm developed to predict the effect of missense changes on protein structure and function (PolyPhen-2) suggests that this variant is likely to be disruptive. In summary, the available evidence is currently insufficient to determine the role of this variant in disease. Therefore, it has been classified as a Variant of Uncertain Significance.

NM_144670.6(A2ML1):c.2916G>T (p.Glu972Asp)

Gene: A2ML1 (alpha-2-macroglobulin like 1; plus strand). Cytogenetic location: 12p13.31.
Variant type: single nucleotide variant.
Coding change: c.2916G>T on transcript NM_144670.6 (MANE Select); coding-DNA position 2916, G replaced by T.
Protein change: p.Glu972Asp; replaces glutamic acid 972 with aspartic acid.
Molecular consequence: missense variant.
Genome position (GRCh38, 1-based): chr12:8,857,231, G>T. VCF-style: chr12-8857231-G-T. GRCh37 (hg19) VCF-style: chr12-9009827-G-T.
Other names: c.1443G>T, p.Glu481Asp (NM_001282424.3); short protein forms E481D, E972D.
Identifiers: ClinVar variation 3712593 (VCV003712593.2).